The following is an entry in ClinVar:

NM_001023570.4(IQCB1):c.155A>G (p.Asp52Gly)

Gene: IQCB1 (IQ motif containing B1; minus strand). Cytogenetic location: 3q13.33.
Variant type: single nucleotide variant.
Coding change: c.155A>G on transcript NM_001023570.4 (MANE Select); coding-DNA position 155, A replaced by G.
Protein change: p.Asp52Gly; replaces aspartic acid 52 with glycine.
Molecular consequence: missense variant. On other transcripts: non-coding transcript variant (1).
Genome position (GRCh38, 1-based): chr3:121,828,578, T>C on the plus strand (A>G on the coding strand, the complement: IQCB1 is on the minus strand). VCF-style: chr3-121828578-T-C. GRCh37 (hg19) VCF-style: chr3-121547425-T-C.
Other names: c.155A>G, p.Asp52Gly (NM_001023571.4, NM_001319107.2); short protein forms D52G.
Identifiers: ClinVar variation 1378436 (VCV001378436.7), dbSNP rs763814255, ClinGen allele CA2567502.

ClinVar aggregate classification (germline): Uncertain significance. Review status: criteria provided, multiple submitters, no conflicts (2 of 4 stars). 2 submissions from 2 submitters: Uncertain significance (2). Last evaluated 2024-10-22.

Conditions:
Nephronophthisis. Also called: Juvenile Nephronophthisis. Identifiers: Orphanet 655, MedGen C0687120, MONDO:0019005, HP:0000090.

Allele frequency attached by ClinVar (database versions not stated): gnomAD exomes 0.00001 and 0.00002; ExAC 0.00002.
gnomAD v4.1: 11 of 1,604,726 alleles (0.00069%); highest among the groups gnomAD compares: South Asian, 0.0077%; no homozygotes.

Submissions (2):

Blueprint Genetics
Classification: Uncertain significance. Last evaluated: 2024-10-22. Review status: criteria provided, single submitter. Criteria: ACMG Guidelines, 2015. Collection method: clinical testing. Allele origin: germline.

Labcorp Genetics (formerly Invitae), Labcorp
Classification: Uncertain significance for Nephronophthisis. Last evaluated: 2022-10-17. Review status: criteria provided, single submitter. Criteria: Invitae Variant Classification Sherloc (09022015). Collection method: clinical testing. Allele origin: germline.
Comment: In summary, the available evidence is currently insufficient to determine the role of this variant in disease. Therefore, it has been classified as a Variant of Uncertain Significance. Algorithms developed to predict the effect of sequence changes on RNA splicing suggest that this variant may disrupt the consensus splice site. Advanced modeling of protein sequence and biophysical properties (such as structural, functional, and spatial information, amino acid conservation, physicochemical variation, residue mobility, and thermodynamic stability) performed at Invitae indicates that this missense variant is not expected to disrupt IQCB1 protein function. ClinVar contains an entry for this variant (Variation ID: 1378436). This variant has not been reported in the literature in individuals affected with IQCB1-related conditions. This variant is present in population databases (rs763814255, gnomAD 0.02%). This sequence change replaces aspartic acid, which is acidic and polar, with glycine, which is neutral and non-polar, at codon 52 of the IQCB1 protein (p.Asp52Gly).